The following is an entry in ClinVar:

ClinVar aggregate classification (germline): Uncertain significance (1 of 4 stars; one submission).

Conditions:
Deficiency of alpha-mannosidase (MANSA). Also called: Alpha-Mannosidosis; LYSOSOMAL ALPHA-D-MANNOSIDASE DEFICIENCY; Mannosidosis, alpha-, types I and II. Identifiers: Orphanet 61, MedGen C0024748, MONDO:0009561, OMIM 248500.

Allele frequency attached by ClinVar (database versions not stated): TOPMed below 0.00001.
gnomAD v4.1: 4 of 1,614,066 alleles (0.00025%); highest among the groups gnomAD compares: Admixed American, 0.0017%; no homozygotes.

Submission:

Labcorp Genetics (formerly Invitae), Labcorp
Classification: Uncertain significance for Deficiency of alpha-mannosidase. Last evaluated: 2023-11-27. Review status: criteria provided, single submitter. Criteria: Invitae Variant Classification Sherloc (09022015). Collection method: clinical testing. Allele origin: germline.
Comment: This sequence change replaces serine, which is neutral and polar, with leucine, which is neutral and non-polar, at codon 899 of the MAN2B1 protein (p.Ser899Leu). This variant is not present in population databases (gnomAD no frequency). This variant has not been reported in the literature in individuals affected with MAN2B1-related conditions. ClinVar contains an entry for this variant (Variation ID: 1901975). Advanced modeling of protein sequence and biophysical properties (such as structural, functional, and spatial information, amino acid conservation, physicochemical variation, residue mobility, and thermodynamic stability) performed at Invitae indicates that this missense variant is not expected to disrupt MAN2B1 protein function with a negative predictive value of 95%. In summary, the available evidence is currently insufficient to determine the role of this variant in disease. Therefore, it has been classified as a Variant of Uncertain Significance.

NM_000528.4(MAN2B1):c.2696C>T (p.Ser899Leu)

Genes: MAN2B1 (mannosidase alpha class 2B member 1; minus strand), LOC130063648 (ATAC-STARR-seq lymphoblastoid active region 14063; plus strand). Cytogenetic location: 19p13.13.
Variant type: single nucleotide variant.
Coding change: c.2696C>T on transcript NM_000528.4 (MANE Select); coding-DNA position 2696, C replaced by T.
Protein change: p.Ser899Leu; replaces serine 899 with leucine.
Molecular consequence: missense variant.
Genome position (GRCh38, 1-based): chr19:12,647,567, G>A on the plus strand (C>T on the coding strand, the complement: MAN2B1 is on the minus strand). VCF-style: chr19-12647567-G-A. GRCh37 (hg19) VCF-style: chr19-12758381-G-A.
Other names: c.2693C>T, p.Ser898Leu (NM_001173498.2); short protein forms S899L, S898L.
Identifiers: ClinVar variation 1901975 (VCV001901975.5), dbSNP rs767323371, ClinGen allele CA404238123.